The following is an entry in ClinVar:

ClinVar aggregate classification (germline): Uncertain significance. Review status: criteria provided, multiple submitters, no conflicts (2 of 4 stars). 2 submissions from 2 submitters: Uncertain significance (2). Last evaluated 2024-04-24.

Allele frequency attached by ClinVar (database versions not stated): ExAC 0.00003; TOPMed 0.00005; gnomAD 0.00006; ESP Exome Variant Server 0.00008.
gnomAD v4.1: 127 of 1,612,384 alleles (0.0079%); highest among the groups gnomAD compares: Middle Eastern, 0.033%; no homozygotes.

Submissions (2):

Labcorp Genetics (formerly Invitae), Labcorp
Classification: Uncertain significance. Last evaluated: 2024-04-24. Review status: criteria provided, single submitter. Criteria: Invitae Variant Classification Sherloc (09022015). Collection method: clinical testing. Allele origin: germline.
Comment: This sequence change replaces glutamic acid, which is acidic and polar, with valine, which is neutral and non-polar, at codon 630 of the KIF23 protein (p.Glu630Val). This variant is present in population databases (rs372855370, gnomAD 0.01%). This variant has not been reported in the literature in individuals affected with KIF23-related conditions. ClinVar contains an entry for this variant (Variation ID: 1981855). An algorithm developed to predict the effect of missense changes on protein structure and function (PolyPhen-2) suggests that this variant is likely to be tolerated. In summary, the available evidence is currently insufficient to determine the role of this variant in disease. Therefore, it has been classified as a Variant of Uncertain Significance.

Ambry Genetics
Classification: Uncertain significance. Last evaluated: 2024-01-16. Review status: criteria provided, single submitter. Criteria: Ambry Variant Classification Scheme 2023. Collection method: clinical testing. Allele origin: germline.

NM_001367805.3(KIF23):c.1931A>T (p.Glu644Val)

Gene: KIF23 (kinesin family member 23; plus strand). Cytogenetic location: 15q23.
Variant type: single nucleotide variant.
Coding change: c.1931A>T on transcript NM_001367805.3 (MANE Select); coding-DNA position 1931, A replaced by T.
Protein change: p.Glu644Val; replaces glutamic acid 644 with valine.
Molecular consequence: missense variant. On other transcripts: non-coding transcript variant (2).
Genome position (GRCh38, 1-based): chr15:69,440,309, A>T. VCF-style: chr15-69440309-A-T. GRCh37 (hg19) VCF-style: chr15-69732648-A-T.
Other names: c.1559A>T, p.Glu520Val (NM_001281301.2); c.1889A>T, p.Glu630Val (NM_001367804.2, NM_004856.7, NM_138555.4); c.1889A>T (NM_138555.2); short protein forms E520V, E630V, E644V.
Identifiers: ClinVar variation 1981855 (VCV001981855.5), dbSNP rs372855370, ClinGen allele CA7635296.